The following is an entry in ClinVar:

NM_001001433.3(STX16):c.*1581G>C

Genes: STX16 (syntaxin 16; plus strand), STX16-NPEPL1 (STX16-NPEPL1 readthrough (NMD candidate); plus strand). Cytogenetic location: 20q13.32.
Variant type: single nucleotide variant.
Coding change: c.*1581G>C on transcript NM_001001433.3 (MANE Select); 1581 bases downstream of the stop codon, G replaced by C.
Molecular consequence: 3 prime UTR variant. On other transcripts: non-coding transcript variant (3).
Genome position (GRCh38, 1-based): chr20:58,677,872, G>C. VCF-style: chr20-58677872-G-C. GRCh37 (hg19) VCF-style: chr20-57252928-G-C.
Other names: c.*1581G>C (NM_001134772.3, NM_001134773.3, NM_001204868.2 and 1 more transcripts).
Identifiers: ClinVar variation 339076 (VCV000339076.5), dbSNP rs73302110, ClinGen allele CA10644225.

ClinVar aggregate classification (germline): Benign (1 of 4 stars; one submission).

Conditions:
Pseudohypoparathyroidism type 1B (PHP1B). Also called: PHP IB; Pseudohypoparathyroidism Ib (PHP-Ib); Pseudohypoparathyroidism Type IB. Identifiers: Orphanet 94089, MedGen C1864100, MONDO:0011301, OMIM 603233.

Allele frequency attached by ClinVar (database versions not stated): gnomAD 0.03418 and 0.03645; 1000 Genomes Project 0.03854; TOPMed 0.03910; 1000 Genomes Project 30x 0.04201.

Submission:

Illumina Laboratory Services, Illumina
Classification: Benign for Pseudohypoparathyroidism type 1B. Last evaluated: 2018-01-12. Review status: criteria provided, single submitter. Criteria: ICSL Variant Classification Criteria 13 December 2019. Collection method: clinical testing. Allele origin: germline.
Comment: This variant was observed in the ICSL laboratory as part of a predisposition screen in an ostensibly healthy population. It had not been previously curated by ICSL or reported in the Human Gene Mutation Database (HGMD: prior to June 1st, 2018), and was therefore a candidate for classification through an automated scoring system. Utilizing variant allele frequency, disease prevalence and penetrance estimates, and inheritance mode, an automated score was calculated to assess if this variant is too frequent to cause the disease. Based on the score and internal cut-off values, a variant classified as benign is not then subjected to further curation. The score for this variant resulted in a classification of benign for this disease.